The following is an entry in ClinVar:

ClinVar aggregate classification (germline): Uncertain significance (1 of 4 stars; one submission).

Submission:

Labcorp Genetics (formerly Invitae), Labcorp
Classification: Uncertain significance. Last evaluated: 2023-08-10. Review status: criteria provided, single submitter. Criteria: Invitae Variant Classification Sherloc (09022015). Collection method: clinical testing. Allele origin: germline.
Comment: In summary, the available evidence is currently insufficient to determine the role of this variant in disease. Therefore, it has been classified as a Variant of Uncertain Significance. This sequence change replaces isoleucine, which is neutral and non-polar, with arginine, which is basic and polar, at codon 72 of the GABRB1 protein (p.Ile72Arg). This variant is not present in population databases (gnomAD no frequency). This variant has not been reported in the literature in individuals affected with GABRB1-related conditions. Advanced modeling of protein sequence and biophysical properties (such as structural, functional, and spatial information, amino acid conservation, physicochemical variation, residue mobility, and thermodynamic stability) performed at Invitae indicates that this missense variant is expected to disrupt GABRB1 protein function.

NM_000812.4(GABRB1):c.215T>G (p.Ile72Arg)

Gene: GABRB1 (gamma-aminobutyric acid type A receptor subunit beta1; plus strand). Cytogenetic location: 4p12.
Variant type: single nucleotide variant.
Coding change: c.215T>G on transcript NM_000812.4 (MANE Select); coding-DNA position 215, T replaced by G.
Protein change: p.Ile72Arg; replaces isoleucine 72 with arginine.
Molecular consequence: missense variant.
Genome position (GRCh38, 1-based): chr4:47,032,459, T>G. VCF-style: chr4-47032459-T-G. GRCh37 (hg19) VCF-style: chr4-47034476-T-G.
Other names: short protein forms I72R.
Identifiers: ClinVar variation 2825813 (VCV002825813.3), dbSNP rs1435412182, ClinGen allele CA356805608.